The following is an entry in ClinVar:

ClinVar aggregate classification (germline): Uncertain significance (1 of 4 stars; one submission).

Conditions:
Hypotrichosis 14. Identifiers: MedGen C4748930, MONDO:0032649, OMIM 618275.
Cataract 44 (CTRCT44). Also called: CATARACT 44 AND HYPOTRICHOSIS. Identifiers: Orphanet 91492, Orphanet 98994, MedGen C4225300, MONDO:0014673, OMIM 616509.
Alopecia-intellectual disability syndrome 4. Also called: ALOPECIA-MENTAL RETARDATION SYNDROME 4. Identifiers: MedGen C5394241, MONDO:0030009, OMIM 618840.

gnomAD v4.1: 21 of 1,552,462 alleles (0.0014%); highest among the groups gnomAD compares: East Asian, 0.041%; no homozygotes.

Submission:

Juno Genomics, Hangzhou Juno Genomics, Inc
Classification: Uncertain significance for Alopecia-intellectual disability syndrome 4; Cataract 44; Hypotrichosis 14. Review status: criteria provided, single submitter. Criteria: ACMG Guidelines, 2015. Collection method: clinical testing. Allele origin: germline.
Comment: Absent from controls (or at extremely low frequency if recessive) in Genome Aggregation Database.;Patient's phenotype or family history is highly specific for a disease with a single genetic etiology.

NM_002340.6(LSS):c.1303C>T (p.Arg435Cys)

Gene: LSS (lanosterol synthase; minus strand). Cytogenetic location: 21q22.3.
Variant type: single nucleotide variant.
Coding change: c.1303C>T on transcript NM_002340.6 (MANE Select); coding-DNA position 1303, C replaced by T.
Protein change: p.Arg435Cys; replaces arginine 435 with cysteine.
Molecular consequence: missense variant.
Genome position (GRCh38, 1-based): chr21:46,208,265, G>A on the plus strand (C>T on the coding strand, the complement: LSS is on the minus strand). VCF-style: chr21-46208265-G-A. GRCh37 (hg19) VCF-style: chr21-47628179-G-A.
Other names: c.1270C>T, p.Arg424Cys (NM_001145436.2); c.1063C>T, p.Arg355Cys (NM_001145437.2); c.1303C>T, p.Arg435Cys (NM_001001438.3); short protein forms R424C, R435C, R355C.
Identifiers: ClinVar variation 5006431 (VCV005006431.2).
Genomic context (GRCh38, chr21:46,208,265, plus strand): 5'-GCCTCCCCTGGGGGACGGGACAGGGATGGGGCTGGCTCCCGCATACCTTGCGCATCTGGC[G>A]GTAGTACTTCTGGTAGTCGGGAGGGTTATCTGGGACCTGGGCAGCATCGAGGGCAAATGT-3'
Protein context (NP_002331.3, residues 425-445): DNPPDYQKYY[Arg435Cys]QMRKGGFSFS